The following is an entry in ClinVar:

ClinVar aggregate classification (germline): Uncertain significance. Review status: criteria provided, single submitter (1 of 4 stars). 3 submissions from 3 submitters: Uncertain significance (1). 2 of the submissions do not count toward it. Last evaluated 2018-06-05.

Conditions:
Autism spectrum disorder. Also called: Autism spectrum disorders. Identifiers: MedGen C1510586, MeSH D000067877, MONDO:0005258.
Intellectual developmental disorder, autosomal dominant 51. Also called: MENTAL RETARDATION, AUTOSOMAL DOMINANT 51; Intellectual disability, autosomal dominant 51. Identifiers: Orphanet 684226, MedGen C4540474, MONDO:0030917, OMIM 617788.

Submissions (3):

SIB Swiss Institute of Bioinformatics
Classification: Uncertain significance for Intellectual developmental disorder, autosomal dominant 51. Last evaluated: 2018-06-05. Review status: criteria provided, single submitter. Criteria: ACMG Guidelines, 2015. Collection method: curation. Allele origin: unknown.
Comment: This variant is interpreted as a Uncertain significance for Mental retardation, autosomal dominant 51. The following ACMG Tag(s) were applied: PM2 => Absent from controls (or at extremely low frequency if recessive) in Exome Sequencing Project, 1000 Genomes Project, or Exome Aggregation Consortium. PP3 => Multiple lines of computational evidence support a deleterious effect on the gene or gene product. PM6 =>Assumed de novo, but without confirmation of paternity and maternity.

ClinGen:CA381605165

OMIM
Classification: Pathogenic for INTELLECTUAL DEVELOPMENTAL DISORDER, AUTOSOMAL DOMINANT 51. Last evaluated: 2022-04-27. Review status: no assertion criteria provided. Collection method: literature only. Allele origin: germline. Not counted in ClinVar's aggregate classification.

University of Washington Center for Mendelian Genomics, University of Washington
Classification: Likely pathogenic for Autism spectrum disorder. Review status: no assertion criteria provided. Collection method: research. Allele origin: de novo. Affected: yes. Not counted in ClinVar's aggregate classification.

Literature cited by the submitters: PubMed 28191889 (cited by SIB Swiss Institute of Bioinformatics and OMIM); PubMed 25363768 (cited by OMIM); PubMed 30504930 (cited by University of Washington Center for Mendelian Genomics, University of Washington).

NM_017635.5(KMT5B):c.791G>C (p.Trp264Ser)

Gene: KMT5B (lysine methyltransferase 5B; minus strand). Cytogenetic location: 11q13.2.
Variant type: single nucleotide variant.
Coding change: c.791G>C on transcript NM_017635.5 (MANE Select); coding-DNA position 791, G replaced by C.
Protein change: p.Trp264Ser; replaces tryptophan 264 with serine.
Molecular consequence: missense variant. On other transcripts: non-coding transcript variant (2).
Genome position (GRCh38, 1-based): chr11:68,171,572, C>G on the plus strand (G>C on the coding strand, the complement: KMT5B is on the minus strand). VCF-style: chr11-68171572-C-G. GRCh37 (hg19) VCF-style: chr11-67939039-C-G.
Other names: c.275G>C, p.Trp92Ser (NM_001300907.1, NM_001369424.1, NM_001369428.1 and 5 more transcripts); c.71G>C, p.Trp24Ser (NM_001300908.2); c.722G>C, p.Trp241Ser (NM_001300909.2); c.791G>C, p.Trp264Ser (NM_001363566.2, NM_001369426.1, NM_001369427.1 and 1 more transcripts); c.578G>C, p.Trp193Ser (NM_001369425.1); short protein forms W264S, W241S, W24S, W92S, W193S.
Identifiers: ClinVar variation 446523 (VCV000446523.4), dbSNP rs1555028104, ClinGen allele CA381605165.